The following is an entry in ClinVar:

ClinVar aggregate classification (germline): Uncertain significance (1 of 4 stars; one submission).

Conditions:
Pyridoxine-dependent epilepsy (EPEO4). Also called: Pyridoxine-Dependent Epilepsy - ALDH7A1; EPILEPSY, EARLY-ONSET, 4, VITAMIN B6-DEPENDENT; PYRIDOXINE DEPENDENCY WITH SEIZURES; Pyridoxine-Dependent Seizures. Identifiers: Orphanet 3006, MedGen C1849508, MONDO:0009945, OMIM 266100. Disease mechanism: loss of function.

gnomAD v4.1: 1 of 1,552,706 alleles (0.000064%); highest among the groups gnomAD compares: Non-Finnish European, 0.000087%; no homozygotes.

Submission:

Labcorp Genetics (formerly Invitae), Labcorp
Classification: Uncertain significance for Pyridoxine-dependent epilepsy. Last evaluated: 2018-05-17. Review status: criteria provided, single submitter. Criteria: Invitae Variant Classification Sherloc (09022015). Collection method: clinical testing. Allele origin: germline.
Comment: This sequence change replaces alanine with valine at codon 7 of the ALDH7A1 protein (p.Ala7Val). The alanine residue is weakly conserved and there is a small physicochemical difference between alanine and valine. This variant is not present in population databases (ExAC no frequency). In summary, the available evidence is currently insufficient to determine the role of this variant in disease. Therefore, it has been classified as a Variant of Uncertain Significance. Algorithms developed to predict the effect of missense changes on protein structure and function (SIFT, PolyPhen-2, Align-GVGD) all suggest that this variant is likely to be tolerated, but these predictions have not been confirmed by published functional studies and their clinical significance is uncertain. This variant has not been reported in the literature in individuals with ALDH7A1-related disease.

NM_001182.5(ALDH7A1):c.20C>T (p.Ala7Val)

Gene: ALDH7A1 (aldehyde dehydrogenase 7 family member A1; minus strand). Cytogenetic location: 5q23.2.
Variant type: single nucleotide variant.
Coding change: c.20C>T on transcript NM_001182.5 (MANE Select); coding-DNA position 20, C replaced by T.
Protein change: p.Ala7Val; replaces alanine 7 with valine.
Molecular consequence: missense variant. On other transcripts: 5 prime UTR variant (1).
Genome position (GRCh38, 1-based): chr5:126,595,179, G>A on the plus strand (C>T on the coding strand, the complement: ALDH7A1 is on the minus strand). VCF-style: chr5-126595179-G-A. GRCh37 (hg19) VCF-style: chr5-125930871-G-A.
Other names: c.-65C>T (NM_001201377.2); c.20C>T, p.Ala7Val (NM_001202404.2); short protein forms A7V.
Identifiers: ClinVar variation 571952 (VCV000571952.9), dbSNP rs1561674305, ClinGen allele CA360734009.
Genomic context (GRCh38, chr5:126,595,179, plus strand): 5'-GCGGCAGGCCTGCTCCAAGGTCCAGAGAGCTTGCTGGTCTTTGCAGCGTGCACACACAGC[G>A]CGCGAGGAAGGCGCCACATACTGAGCCCGGGACTCGGGATGAGCCCAAGGCCCTGAGAGC-3'
Protein context (NP_001173.2, residues 1-17): MWRLPR[Ala7Val]LCVHAAKTSK